The following is an entry in ClinVar:

ClinVar aggregate classification (germline): Uncertain significance (1 of 4 stars; one submission).

Conditions:
Inborn genetic diseases. Identifiers: MedGen C0950123, MeSH D030342.

Submission:

Ambry Genetics
Classification: Uncertain significance for Inborn genetic diseases. Last evaluated: 2024-03-26. Review status: criteria provided, single submitter. Criteria: Ambry Variant Classification Scheme 2023. Collection method: clinical testing. Allele origin: germline.
Comment: The c.1984A>C (p.K662Q) alteration is located in exon 12 (coding exon 12) of the SMC1A gene. This alteration results from a A to C substitution at nucleotide position 1984, causing the lysine (K) at amino acid position 662 to be replaced by a glutamine (Q). This variant was not reported in population-based cohorts in the Genome Aggregation Database (gnomAD). This amino acid position is highly conserved in available vertebrate species. This missense alteration is located in a region that has a low rate of benign missense variation (Lek, 2016; Firth, 2009). The in silico prediction for this alteration is inconclusive. Based on insufficient or conflicting evidence, the clinical significance of this alteration remains unclear.

NM_006306.4(SMC1A):c.1984A>C (p.Lys662Gln)

Gene: SMC1A (structural maintenance of chromosomes 1A; minus strand). Cytogenetic location: Xp11.22.
Variant type: single nucleotide variant.
Coding change: c.1984A>C on transcript NM_006306.4 (MANE Select); coding-DNA position 1984, A replaced by C.
Protein change: p.Lys662Gln; replaces lysine 662 with glutamine.
Molecular consequence: missense variant.
Genome position (GRCh38, 1-based): chrX:53,405,319, T>G on the plus strand (A>C on the coding strand, the complement: SMC1A is on the minus strand). VCF-style: chrX-53405319-T-G. GRCh37 (hg19) VCF-style: chrX-53432251-T-G.
Other names: c.1918A>C, p.Lys640Gln (NM_001281463.1); short protein forms K662Q, K640Q.
Identifiers: ClinVar variation 3320869 (VCV003320869.1).